The following is an entry in ClinVar:

ClinVar aggregate classification (germline): Benign/Likely benign. Review status: criteria provided, multiple submitters, no conflicts (2 of 4 stars). 4 submissions from 4 submitters: Benign (1); Likely benign (3). Last evaluated 2026-06-21.

Conditions:
VPS33A-related disorder. Also called: VPS33A-related condition.

Allele frequency attached by ClinVar (database versions not stated): gnomAD exomes 0.00067 and 0.00129; ExAC 0.00139; gnomAD 0.00267 and 0.00284; ESP Exome Variant Server 0.00308; TOPMed 0.00316; 1000 Genomes Project 30x 0.00359; 1000 Genomes Project 0.00379.
gnomAD v4.1: 1,447 of 1,609,476 alleles (0.09%); highest among the groups gnomAD compares: African/African-American, 0.72%; 8 homozygotes.

Submissions (4):

PreventionGenetics, part of Exact Sciences
Classification: Likely benign for VPS33A-related condition. Last evaluated: 2026-06-21. Review status: criteria provided, single submitter. Criteria: ACMG Guidelines, 2015. Collection method: clinical testing. Allele origin: germline.
Comment: This variant is classified as likely benign based on ACMG/AMP sequence variant interpretation guidelines (Richards et al. 2015 PMID: 25741868, with internal and published modifications).

Labcorp Genetics (formerly Invitae), Labcorp
Classification: Likely benign. Last evaluated: 2026-01-27. Review status: criteria provided, single submitter. Criteria: Invitae Variant Classification Sherloc (09022015). Collection method: clinical testing. Allele origin: germline.

Mayo Clinic Laboratories, Mayo Clinic
Classification: Benign. Last evaluated: 2022-11-21. Review status: criteria provided, single submitter. Criteria: ACMG Guidelines, 2015. Collection method: clinical testing. Allele origin: germline. Observed: 6 variant alleles.
Comment: BS1, BS2

Breakthrough Genomics
Classification: Likely benign. Review status: criteria provided, single submitter. Criteria: ACMG Guidelines, 2015. Collection method: not provided. Allele origin: germline. Inheritance: Autosomal recessive inheritance. Affected: yes.

NM_022916.6(VPS33A):c.1318C>T (p.His440Tyr)

Gene: VPS33A (VPS33A core subunit of CORVET and HOPS complexes; minus strand). Cytogenetic location: 12q24.31.
Variant type: single nucleotide variant.
Coding change: c.1318C>T on transcript NM_022916.6 (MANE Select); coding-DNA position 1318, C replaced by T.
Protein change: p.His440Tyr; replaces histidine 440 with tyrosine.
Molecular consequence: missense variant.
Genome position (GRCh38, 1-based): chr12:122,235,908, G>A on the plus strand (C>T on the coding strand, the complement: VPS33A is on the minus strand). VCF-style: chr12-122235908-G-A. GRCh37 (hg19) VCF-style: chr12-122720455-G-A.
Other names: p.His440Tyr; c.1285C>T, p.His429Tyr (NM_001351018.2); c.1270C>T, p.His424Tyr (NM_001351019.2); c.997C>T, p.His333Tyr (NM_001351020.2); short protein forms H333Y, H440Y, H424Y, H429Y.
Identifiers: ClinVar variation 775317 (VCV000775317.16), dbSNP rs143287106, ClinGen allele CA6844352.
Genomic context (GRCh38, chr12:122,235,908, plus strand): 5'-TGCCCCCCGTCTGCGGTTTCAGCAGGCCGGCCTTCTCCAGGTTGTGTAAGGTCAATATGT[G>A]CTCATAGCCGTATGTCTGCAAGGGAAGTCATTTGGCCTTGATGTCAGATCAGGAAAAGGA-3'
Protein context (NP_075067.2, residues 430-450): REILQTYGYE[His440Tyr]ILTLHNLEKA